The following is an entry in ClinVar:

NM_001349253.2(SCN11A):c.4655G>A (p.Gly1552Asp)

Gene: SCN11A (sodium voltage-gated channel alpha subunit 11; minus strand). Cytogenetic location: 3p22.2.
Variant type: single nucleotide variant.
Coding change: c.4655G>A on transcript NM_001349253.2 (MANE Select); coding-DNA position 4655, G replaced by A.
Protein change: p.Gly1552Asp; replaces glycine 1552 with aspartic acid.
Molecular consequence: missense variant.
Genome position (GRCh38, 1-based): chr3:38,847,415, C>T on the plus strand (G>A on the coding strand, the complement: SCN11A is on the minus strand). VCF-style: chr3-38847415-C-T. GRCh37 (hg19) VCF-style: chr3-38888906-C-T.
Other names: c.4655G>A, p.Gly1552Asp (NM_014139.3); short protein forms G1552D.
Identifiers: ClinVar variation 418474 (VCV000418474.2), dbSNP rs186698829, ClinGen allele CA16617958.

ClinVar aggregate classification (germline): Uncertain significance (1 of 4 stars; one submission).

Allele frequency attached by ClinVar (database versions not stated): gnomAD exomes below 0.00001.
gnomAD v4.1: 1 of 1,614,164 alleles (0.000062%); highest among the groups gnomAD compares: Non-Finnish European, 0.000085%; no homozygotes.

Submission:

GeneDx
Classification: Uncertain significance. Last evaluated: 2016-09-06. Review status: criteria provided, single submitter. Criteria: GeneDx Variant Classification (06012015). Collection method: clinical testing. Allele origin: germline. Affected: yes.
Comment: The G1552D variant in the SCN11A gene has not been published as a pathogenic variant, nor has it been reported as a benign variant to our knowledge. The G1552D variant was not observed in approximately 6,500 individuals of European and African American ancestry in the NHLBI Exome Sequencing Project, indicating it is not a common benign variant in these populations. The G1522D variant is a non-conservative amino acid substitution, which is likely to impact secondary protein structure as these residues differ in polarity, charge, size and/or other properties. This substitution occurs at a position that is conserved across species, and in silico analysis predicts this variant is probably damaging to the protein structure/function. We interpret G1552D as a variant of uncertain significance.